The following is an entry in ClinVar:

NM_003072.5(SMARCA4):c.2983G>A (p.Val995Ile)

Gene: SMARCA4 (SWI/SNF related BAF chromatin remodeling complex subunit ATPase 4; plus strand). Cytogenetic location: 19p13.2.
Variant type: single nucleotide variant.
Coding change: c.2983G>A on transcript NM_003072.5 (MANE Select); coding-DNA position 2983, G replaced by A.
Protein change: p.Val995Ile; replaces valine 995 with isoleucine.
Molecular consequence: missense variant. On other transcripts: non-coding transcript variant (1).
Genome position (GRCh38, 1-based): chr19:11,024,340, G>A. VCF-style: chr19-11024340-G-A. GRCh37 (hg19) VCF-style: chr19-11135016-G-A.
Other names: c.2983G>A, p.Val995Ile (NM_001374457.1, NM_001128844.3, NM_001128845.2 and 4 more transcripts); short protein forms V995I.
Identifiers: ClinVar variation 822429 (VCV000822429.17), dbSNP rs1600300689, ClinGen allele CA404058778.

ClinVar aggregate classification (germline): Uncertain significance. Review status: criteria provided, multiple submitters, no conflicts (2 of 4 stars). 4 submissions from 4 submitters: Uncertain significance (4). Last evaluated 2022-03-23.

Conditions:
Intellectual disability, autosomal dominant 16 (CSS4). Also called: COFFIN-SIRIS SYNDROME 4. Identifiers: Orphanet 1465, MedGen C3553249, MONDO:0013821, OMIM 614609.
Hereditary cancer-predisposing syndrome. Also called: Tumor predisposition; Hereditary Cancer Syndrome; Neoplastic Syndromes, Hereditary; Hereditary neoplastic syndrome. Identifiers: Orphanet 140162, MedGen C0027672, MeSH D009386, MONDO:0015356.
Rhabdoid tumor predisposition syndrome 2 (RTPS2). Identifiers: Orphanet 231108, Orphanet 69077, MedGen C2750074, MONDO:0013224, OMIM 613325.

Submissions (4):

Labcorp Genetics (formerly Invitae), Labcorp
Classification: Uncertain significance for Rhabdoid tumor predisposition syndrome 2. Last evaluated: 2022-03-23. Review status: criteria provided, single submitter. Criteria: Invitae Variant Classification Sherloc (09022015). Collection method: clinical testing. Allele origin: germline.
Comment: ClinVar contains an entry for this variant (Variation ID: 822429). In summary, the available evidence is currently insufficient to determine the role of this variant in disease. Therefore, it has been classified as a Variant of Uncertain Significance. Algorithms developed to predict the effect of missense changes on protein structure and function (SIFT, PolyPhen-2, Align-GVGD) all suggest that this variant is likely to be disruptive. This variant has not been reported in the literature in individuals affected with SMARCA4-related conditions. This variant is not present in population databases (gnomAD no frequency). This sequence change replaces valine, which is neutral and non-polar, with isoleucine, which is neutral and non-polar, at codon 995 of the SMARCA4 protein (p.Val995Ile).

GeneDx
Classification: Uncertain significance. Last evaluated: 2022-03-22. Review status: criteria provided, single submitter. Criteria: GeneDx Variant Classification Process June 2021. Collection method: clinical testing. Allele origin: germline. Affected: yes.
Comment: Not observed at significant frequency in large population cohorts (gnomAD); In silico analysis supports that this missense variant does not alter protein structure/function; Has not been previously published as pathogenic or benign to our knowledge; De novo variant with confirmed parentage; however, the reported clinical features are only partially consistent with the features typically observed in individuals with pathogenic variants in this gene; This variant is associated with the following publications: (PMID: 24658002)

Genome-Nilou Lab
Classification: Uncertain significance for Intellectual disability, autosomal dominant 16. Last evaluated: 2021-07-15. Review status: criteria provided, single submitter. Criteria: ACMG Guidelines, 2015. Collection method: clinical testing. Allele origin: germline. Affected: no.

Ambry Genetics
Classification: Uncertain significance for Hereditary cancer-predisposing syndrome. Last evaluated: 2019-07-24. Review status: criteria provided, single submitter. Criteria: Ambry Variant Classification Scheme 2023. Collection method: clinical testing. Allele origin: germline.
Comment: The p.V995I variant (also known as c.2983G>A), located in coding exon 20 of the SMARCA4 gene, results from a G to A substitution at nucleotide position 2983. The valine at codon 995 is replaced by isoleucine, an amino acid with highly similar properties. This amino acid position is well conserved in available vertebrate species. In addition, the in silico prediction for this alteration is inconclusive. Since supporting evidence is limited at this time, the clinical significance of this alteration remains unclear.